The following is an entry in ClinVar:

ClinVar aggregate classification (germline): Uncertain significance (1 of 4 stars; one submission).

gnomAD v4.1: 11 of 1,569,692 alleles (0.0007%); highest among the groups gnomAD compares: African/African-American, 0.0014%; no homozygotes.

Submission:

Labcorp Genetics (formerly Invitae), Labcorp
Classification: Uncertain significance. Last evaluated: 2021-08-23. Review status: criteria provided, single submitter. Criteria: Invitae Variant Classification Sherloc (09022015). Collection method: clinical testing. Allele origin: germline.
Comment: In summary, the available evidence is currently insufficient to determine the role of this variant in disease. Therefore, it has been classified as a Variant of Uncertain Significance. This sequence change replaces glycine with arginine at codon 121 of the CABP4 protein (p.Gly121Arg). The glycine residue is highly conserved and there is a moderate physicochemical difference between glycine and arginine. This variant is present in population databases (rs549293344, ExAC 0.1%). This variant has not been reported in the literature in individuals affected with CABP4-related conditions. Advanced modeling of protein sequence and biophysical properties (such as structural, functional, and spatial information, amino acid conservation, physicochemical variation, residue mobility, and thermodynamic stability) performed at Invitae indicates that this missense variant is not expected to disrupt CABP4 protein function.

NM_145200.5(CABP4):c.361G>C (p.Gly121Arg)

Gene: CABP4 (calcium binding protein 4; plus strand). Cytogenetic location: 11q13.2.
Variant type: single nucleotide variant.
Coding change: c.361G>C on transcript NM_145200.5 (MANE Select); coding-DNA position 361, G replaced by C.
Protein change: p.Gly121Arg; replaces glycine 121 with arginine.
Molecular consequence: missense variant. On other transcripts: 5 prime UTR variant (3), non-coding transcript variant (1).
Genome position (GRCh38, 1-based): chr11:67,455,784, G>C. VCF-style: chr11-67455784-G-C. GRCh37 (hg19) VCF-style: chr11-67223255-G-C.
Other names: c.-23G>C (NM_001300895.3); c.-37G>C (NM_001300896.3, NM_001379183.1); short protein forms G121R.
Identifiers: ClinVar variation 1517072 (VCV001517072.6), dbSNP rs549293344, ClinGen allele CA6140145.